The following is an entry in ClinVar:

NM_170754.4(TNS2):c.2036T>C (p.Leu679Pro)

Gene: TNS2 (tensin 2; plus strand). Cytogenetic location: 12q13.13.
Variant type: single nucleotide variant.
Coding change: c.2036T>C on transcript NM_170754.4 (MANE Select); coding-DNA position 2036, T replaced by C.
Protein change: p.Leu679Pro; replaces leucine 679 with proline.
Molecular consequence: missense variant.
Genome position (GRCh38, 1-based): chr12:53,059,677, T>C. VCF-style: chr12-53059677-T-C. GRCh37 (hg19) VCF-style: chr12-53453461-T-C.
Other names: c.2036T>C, p.Leu679Pro (NM_001416202.1); c.1994T>C, p.Leu665Pro (NM_001416203.1); c.2063T>C, p.Leu688Pro (NM_001416204.1); c.1967T>C, p.Leu656Pro (NM_015319.3); c.1664T>C, p.Leu555Pro (NM_198316.2); short protein forms L679P, L689P, L555P, L656P, L665P, L688P.
Identifiers: ClinVar variation 2370308 (VCV002370308.3), dbSNP rs145266982, ClinGen allele CA6592516.
Genomic context (GRCh38, chr12:53,059,677, plus strand): 5'-GGAAACCAGCCACTGGGGACTTTGGCTACCGCGCCCCAGGCTACCGGGAGGTGGTCATCC[T>C]GGAGGACCCTGGGCTGCCTGCCCTATACCCATGCCCAGCCTGCGAGGAGAAGCTGGCGCT-3'
Protein context (NP_736610.2, residues 669-689): RAPGYREVVI[Leu679Pro]EDPGLPALYP

ClinVar aggregate classification (germline): Uncertain significance. Review status: criteria provided, multiple submitters, no conflicts (2 of 4 stars). 2 submissions from 2 submitters: Uncertain significance (2). Last evaluated 2025-12-10.

Allele frequency attached by ClinVar (database versions not stated): gnomAD exomes 0.00006; gnomAD 0.00005; ESP Exome Variant Server 0.00008; TOPMed 0.00006; ExAC 0.00011.
gnomAD v4.1: 94 of 1,613,068 alleles (0.0058%); highest among the groups gnomAD compares: African/African-American, 0.0067%; no homozygotes.

Submissions (2):

Labcorp Genetics (formerly Invitae), Labcorp
Classification: Uncertain significance. Last evaluated: 2025-12-10. Review status: criteria provided, single submitter. Criteria: Invitae Variant Classification Sherloc (09022015). Collection method: clinical testing. Allele origin: germline.
Comment: This sequence change replaces leucine, which is neutral and non-polar, with proline, which is neutral and non-polar, at codon 689 of the TNS2 protein (p.Leu689Pro). This variant is present in population databases (rs145266982, gnomAD 0.01%). This variant has not been reported in the literature in individuals affected with TNS2-related conditions. ClinVar contains an entry for this variant (Variation ID: 2370308). An algorithm developed to predict the effect of missense changes on protein structure and function (PolyPhen-2) suggests that this variant is likely to be disruptive. In summary, the available evidence is currently insufficient to determine the role of this variant in disease. Therefore, it has been classified as a Variant of Uncertain Significance.

Ambry Genetics
Classification: Uncertain significance. Last evaluated: 2021-09-15. Review status: criteria provided, single submitter. Criteria: Ambry Variant Classification Scheme 2023. Collection method: clinical testing. Allele origin: germline.